The following is an entry in ClinVar:

ClinVar aggregate classification (germline): Likely pathogenic (1 of 4 stars; one submission).

Submission:

GeneDx
Classification: Likely pathogenic. Last evaluated: 2023-07-10. Review status: criteria provided, single submitter. Criteria: GeneDx Variant Classification Process June 2021. Collection method: clinical testing. Allele origin: germline. Affected: yes.
Comment: Frameshift variant predicted to result in protein truncation or nonsense mediated decay in a gene for which loss of function is a known mechanism of disease; Not observed at significant frequency in large population cohorts (gnomAD); Has not been previously published as pathogenic or benign to our knowledge

NM_001009944.3(PKD1):c.10199_10205del (p.Leu3400fs)

Gene: PKD1 (polycystin 1, transient receptor potential channel interacting; minus strand). Cytogenetic location: 16p13.3.
Variant type: Deletion.
Coding change: c.10199_10205del on transcript NM_001009944.3 (MANE Select); coding-DNA positions 10199 to 10205, 7 bases deleted (TGTTTCT; older notation c.10199_10205delTGTTTCT).
Protein change: p.Leu3400fs; shifts the reading frame from leucine 3400.
Molecular consequence: frameshift variant.
Genome position (GRCh38, 1-based): chr16:2,097,743-2,097,749, AGAAACA deleted on the plus strand (TGTTTCT on the coding strand, the reverse complement: PKD1 is on the minus strand); deleting any 7 consecutive bases within chr16:2,097,743-2,097,751 gives the same sequence; the c. name uses the placement nearest the transcript's 3' end. VCF-style (leftmost placement, unchanged base first): chr16-2097742-CAGAAACA-C. GRCh37 (hg19) VCF-style: chr16-2147743-CAGAAACA-C.
Other names: c.10196_10202del, p.Leu3399fs (NM_000296.4); c.10197_10203delCTTGTTT, p.Leu3400Trpfs (NM_001009944.2); short protein forms L3399fs, L3400fs.
Identifiers: ClinVar variation 3360810 (VCV003360810.1).